The following is an entry in ClinVar:

NM_005676.5(RBM10):c.77G>A (p.Gly26Asp)

Gene: RBM10 (RNA binding motif protein 10; plus strand). Cytogenetic location: Xp11.3.
Variant type: single nucleotide variant.
Coding change: c.77G>A on transcript NM_005676.5 (MANE Select); coding-DNA position 77, G replaced by A.
Protein change: p.Gly26Asp; replaces glycine 26 with aspartic acid.
Molecular consequence: missense variant.
Genome position (GRCh38, 1-based): chrX:47,169,374, G>A. VCF-style: chrX-47169374-G-A. GRCh37 (hg19) VCF-style: chrX-47028773-G-A.
Other names: c.77G>A, p.Gly26Asp (NM_001204466.2, NM_001204467.2, NM_152856.3); c.272G>A, p.Gly91Asp (NM_001204468.2); short protein forms G26D, G91D.
Identifiers: ClinVar variation 3360057 (VCV003360057.1).

ClinVar aggregate classification (germline): Uncertain significance (1 of 4 stars; one submission).

Submission:

GeneDx
Classification: Uncertain significance. Last evaluated: 2023-06-16. Review status: criteria provided, single submitter. Criteria: GeneDx Variant Classification Process June 2021. Collection method: clinical testing. Allele origin: germline. Affected: yes.
Comment: Not observed at significant frequency in large population cohorts (gnomAD); In silico analysis supports that this missense variant has a deleterious effect on protein structure/function; Has not been previously published as pathogenic or benign to our knowledge